The following is an entry in ClinVar:

NM_000155.4(GALT):c.253_266del (p.Val85fs)

Gene: GALT (galactose-1-phosphate uridylyltransferase; plus strand). Cytogenetic location: 9p13.3.
Variant type: Deletion.
Coding change: c.253_266del on transcript NM_000155.4 (MANE Select); coding-DNA positions 253 to 266, 14 bases deleted (GTGAATCCCCAGTA).
Protein change: p.Val85fs; shifts the reading frame from valine 85.
Molecular consequence: frameshift variant. On other transcripts: intron variant (1).
Genome position (GRCh38, 1-based): chr9:34,647,492-34,647,505, GTGAATCCCCAGTA deleted. VCF-style (leftmost placement, unchanged base first): chr9-34647491-GGTGAATCCCCAGTA-G. GRCh37 (hg19) VCF-style: chr9-34647488-GGTGAATCCCCAGTA-G.
Other names: c.50+234_50+247del (NM_001258332.2); short protein forms V85fs.
Identifiers: ClinVar variation 4817623 (VCV004817623.1).

ClinVar aggregate classification (germline): Likely pathogenic (1 of 4 stars; one submission).

Conditions:
Galactosemia. Also called: Galactose intolerance. Identifiers: Orphanet 352, MedGen C0016952, MONDO:0018116, HP:0004919. Disease mechanism: loss of function.

Submission:

Natera, Inc.
Classification: Likely pathogenic for Galactosemia. Last evaluated: 2025-03-31. Review status: criteria provided, single submitter. Criteria: Natera Variant Classification Schema (03/2026). Collection method: clinical testing. Allele origin: germline.
Comment: The c.253_266delGTGAATCCCCAGTA variant in GALT is a frameshift variant predicted to shift the reading frame beginning at codon 85 and leads to a stop codon 2 codons downstream. This variant is expected to result in nonsense mediated decay, truncation, or a dysfunctional protein product. This variant is rare in the general population with a frequency below the threshold expected for the associated phenotype(s). Given the available evidence, this variant is classified as Likely Pathogenic.